The following is an entry in ClinVar:

ClinVar aggregate classification (germline): Uncertain significance (1 of 4 stars; one submission).

Conditions:
Hereditary cancer-predisposing syndrome. Also called: Neoplastic Syndromes, Hereditary; Tumor predisposition; Hereditary Cancer Syndrome; Hereditary neoplastic syndrome. Identifiers: Orphanet 140162, MedGen C0027672, MeSH D009386, MONDO:0015356.

Submission:

Ambry Genetics
Classification: Uncertain significance for Hereditary cancer-predisposing syndrome. Last evaluated: 2025-12-29. Review status: criteria provided, single submitter. Criteria: Ambry Variant Classification Scheme 2023. Collection method: clinical testing. Allele origin: germline.
Comment: The p.L232F variant (also known as c.694C>T), located in coding exon 7 of the POLE gene, results from a C to T substitution at nucleotide position 694. The leucine at codon 232 is replaced by phenylalanine, an amino acid with highly similar properties. This amino acid position is conserved. In addition, this alteration is predicted to be tolerated by in silico analysis. Based on the available evidence, the clinical significance of this variant remains unclear.

NM_006231.4(POLE):c.694C>T (p.Leu232Phe)

Gene: POLE (DNA polymerase epsilon, catalytic subunit; minus strand). Cytogenetic location: 12q24.33.
Variant type: single nucleotide variant.
Coding change: c.694C>T on transcript NM_006231.4 (MANE Select); coding-DNA position 694, C replaced by T.
Protein change: p.Leu232Phe; replaces leucine 232 with phenylalanine.
Molecular consequence: missense variant.
Genome position (GRCh38, 1-based): chr12:132,677,604, G>A on the plus strand (C>T on the coding strand, the complement: POLE is on the minus strand). VCF-style: chr12-132677604-G-A. GRCh37 (hg19) VCF-style: chr12-133254190-G-A.
Other names: short protein forms L232F.
Identifiers: ClinVar variation 4840135 (VCV004840135.1).